The following is an entry in ClinVar:

NM_032620.4(GTPBP3):c.592-3C>A

Gene: GTPBP3 (GTP binding protein 3, mitochondrial; plus strand). Cytogenetic location: 19p13.11.
Variant type: single nucleotide variant.
Coding change: c.592-3C>A on transcript NM_032620.4 (MANE Select); 3 bases into the intron before coding-DNA position 592, C replaced by A.
Molecular consequence: intron variant.
Genome position (GRCh38, 1-based): chr19:17,338,951, C>A. VCF-style: chr19-17338951-C-A. GRCh37 (hg19) VCF-style: chr19-17449760-C-A.
Other names: c.658-3C>A (NM_001195422.1); c.592-3C>A (NM_133644.4, NM_001128855.3).
Identifiers: ClinVar variation 1378562 (VCV001378562.6), dbSNP rs775449994, ClinGen allele CA306062177.

ClinVar aggregate classification (germline): Uncertain significance (1 of 4 stars; one submission).

Allele frequency attached by ClinVar (database versions not stated): gnomAD 0.00001; TOPMed 0.00003.
gnomAD v4.1: 2 of 1,592,410 alleles (0.00013%); highest among the groups gnomAD compares: African/African-American, 0.0027%; no homozygotes.

Submission:

Labcorp Genetics (formerly Invitae), Labcorp
Classification: Uncertain significance. Last evaluated: 2024-10-24. Review status: criteria provided, single submitter. Criteria: Invitae Variant Classification Sherloc (09022015). Collection method: clinical testing. Allele origin: germline.
Comment: This sequence change falls in intron 4 of the GTPBP3 gene. It does not directly change the encoded amino acid sequence of the GTPBP3 protein. It affects a nucleotide within the consensus splice site. This variant is present in population databases (no rsID available, gnomAD 0.02%). This variant has not been reported in the literature in individuals affected with GTPBP3-related conditions. ClinVar contains an entry for this variant (Variation ID: 1378562). Variants that disrupt the consensus splice site are a relatively common cause of aberrant splicing (PMID: 17576681, 9536098). Algorithms developed to predict the effect of sequence changes on RNA splicing suggest that this variant is not likely to affect RNA splicing. In summary, the available evidence is currently insufficient to determine the role of this variant in disease. Therefore, it has been classified as a Variant of Uncertain Significance.

Literature cited by the submitters: PubMed 17576681; PubMed 9536098.